The following is an entry in ClinVar:

NM_001083619.3(GRIA2):c.977A>G (p.Asn326Ser)

Gene: GRIA2 (glutamate ionotropic receptor AMPA type subunit 2; plus strand). Cytogenetic location: 4q32.1.
Variant type: single nucleotide variant.
Coding change: c.977A>G on transcript NM_001083619.3 (MANE Select); coding-DNA position 977, A replaced by G.
Protein change: p.Asn326Ser; replaces asparagine 326 with serine.
Molecular consequence: missense variant.
Genome position (GRCh38, 1-based): chr4:157,332,913, A>G. VCF-style: chr4-157332913-A-G. GRCh37 (hg19) VCF-style: chr4-158254065-A-G.
Other names: c.977A>G, p.Asn326Ser (NM_000826.6); c.836A>G, p.Asn279Ser (NM_001083620.3, NM_001379000.3, NM_001379001.3); short protein forms N279S, N326S.
Identifiers: ClinVar variation 3370155 (VCV003370155.3).

ClinVar aggregate classification (germline): Uncertain significance. Review status: criteria provided, multiple submitters, no conflicts (2 of 4 stars). 2 submissions from 2 submitters: Uncertain significance (2). Last evaluated 2025-06-09.

Conditions:
Inborn genetic diseases. Identifiers: MedGen C0950123, MeSH D030342.

gnomAD v4.1: 1 of 1,612,520 alleles (0.000062%); highest among the groups gnomAD compares: Admixed American, 0.0017%; no homozygotes.

Submissions (2):

GeneDx
Classification: Uncertain significance. Last evaluated: 2025-06-09. Review status: criteria provided, single submitter. Criteria: GeneDx Variant Classification Process June 2021. Collection method: clinical testing. Allele origin: germline.
Comment: Not observed at significant frequency in large population cohorts (gnomAD); In silico analysis suggests that this missense variant does not alter protein structure/function; Has not been previously published as pathogenic or benign to our knowledge.

Ambry Genetics
Classification: Uncertain significance for Inborn genetic diseases. Last evaluated: 2025-02-22. Review status: criteria provided, single submitter. Criteria: Ambry Variant Classification Scheme 2023. Collection method: clinical testing. Allele origin: germline.